The following is an entry in ClinVar:

ClinVar aggregate classification (germline): Uncertain significance (1 of 4 stars; one submission).

gnomAD v4.1: 1 of 1,602,544 alleles (0.000062%); highest among the groups gnomAD compares: Non-Finnish European, 0.000085%; no homozygotes.

Submission:

Labcorp Genetics (formerly Invitae), Labcorp
Classification: Uncertain significance. Last evaluated: 2022-07-14. Review status: criteria provided, single submitter. Criteria: Invitae Variant Classification Sherloc (09022015). Collection method: clinical testing. Allele origin: germline.
Comment: This sequence change replaces alanine, which is neutral and non-polar, with glutamic acid, which is acidic and polar, at codon 1235 of the TRPM1 protein (p.Ala1235Glu). Algorithms developed to predict the effect of missense changes on protein structure and function are either unavailable or do not agree on the potential impact of this missense change (SIFT: "Deleterious"; PolyPhen-2: "Possibly Damaging"; Align-GVGD: "Class C0"). ClinVar contains an entry for this variant (Variation ID: 999545). This variant has not been reported in the literature in individuals affected with TRPM1-related conditions. This variant is not present in population databases (gnomAD no frequency). In summary, the available evidence is currently insufficient to determine the role of this variant in disease. Therefore, it has been classified as a Variant of Uncertain Significance.

NM_001252024.2(TRPM1):c.3770C>A (p.Ala1257Glu)

Gene: TRPM1 (transient receptor potential cation channel subfamily M member 1; minus strand). Cytogenetic location: 15q13.3.
Variant type: single nucleotide variant.
Coding change: c.3770C>A on transcript NM_001252024.2 (MANE Select); coding-DNA position 3770, C replaced by A.
Protein change: p.Ala1257Glu; replaces alanine 1257 with glutamic acid.
Molecular consequence: missense variant.
Genome position (GRCh38, 1-based): chr15:31,002,930, G>T on the plus strand (C>A on the coding strand, the complement: TRPM1 is on the minus strand). VCF-style: chr15-31002930-G-T. GRCh37 (hg19) VCF-style: chr15-31295133-G-T.
Other names: c.3821C>A, p.Ala1274Glu (NM_001252020.2); c.3704C>A, p.Ala1235Glu (NM_002420.6); short protein forms A1235E, A1257E, A1274E.
Identifiers: ClinVar variation 999545 (VCV000999545.8), dbSNP rs757962189, ClinGen allele CA391531396.
Genomic context (GRCh38, chr15:31,002,930, plus strand): 5'-GCCTCACATTCAGAAGAAGCCCGGGACCGTGCCTGGATCAGGTCAGACCTGTCGATTCCC[G>T]CAAGATTTTCAAGAGCATTCACCATTCTGTTAGATAATTCTTCTAGCTGAGCAAGTCGAA-3'
Protein context (NP_001238953.1, residues 1247-1267): NRMVNALENL[Ala1257Glu]GIDRSDLIQA